The following is an entry in ClinVar:

ClinVar aggregate classification (germline): Uncertain significance (1 of 4 stars; one submission).

Submission:

Labcorp Genetics (formerly Invitae), Labcorp
Classification: Uncertain significance. Last evaluated: 2025-12-20. Review status: criteria provided, single submitter. Criteria: Invitae Variant Classification Sherloc (09022015). Collection method: clinical testing. Allele origin: germline.
Comment: This sequence change replaces glycine, which is neutral and non-polar, with arginine, which is basic and polar, at codon 169 of the GCKR protein (p.Gly169Arg). This variant is present in population databases (rs763329011, gnomAD 0.05%). This missense change has been observed in individual(s) with clinical features of GCKR-related disorders (PMID: 36325899). Invitae Evidence Modeling of protein sequence and biophysical properties (such as structural, functional, and spatial information, amino acid conservation, physicochemical variation, residue mobility, and thermodynamic stability) indicates that this missense variant is not expected to disrupt GCKR protein function with a negative predictive value of 80%. In summary, the available evidence is currently insufficient to determine the role of this variant in disease. Therefore, it has been classified as a Variant of Uncertain Significance.

Literature cited by the submitters: PubMed 36325899.

NM_001486.4(GCKR):c.505G>A (p.Gly169Arg)

Gene: GCKR (glucokinase regulator; plus strand). Cytogenetic location: 2p23.3.
Variant type: single nucleotide variant.
Coding change: c.505G>A on transcript NM_001486.4 (MANE Select); coding-DNA position 505, G replaced by A.
Protein change: p.Gly169Arg; replaces glycine 169 with arginine.
Molecular consequence: missense variant.
Genome position (GRCh38, 1-based): chr2:27,499,406, G>A. VCF-style: chr2-27499406-G-A. GRCh37 (hg19) VCF-style: chr2-27722273-G-A.
Other names: short protein forms G169R.
Identifiers: ClinVar variation 4755264 (VCV004755264.1).